The following is an entry in ClinVar:

NM_001267550.2(TTN):c.66600C>T (p.Ser22200=)

Genes: TTN-AS1 (TTN antisense RNA 1; plus strand), TTN (titin; minus strand). Cytogenetic location: 2q31.2.
Variant type: single nucleotide variant.
Coding change: c.66600C>T on transcript NM_001267550.2 (MANE Select); coding-DNA position 66600, C replaced by T.
Protein change: p.Ser22200=; no amino-acid change (serine 22200 retained).
Molecular consequence: synonymous variant.
Genome position (GRCh38, 1-based): chr2:178,581,668, G>A on the plus strand (C>T on the coding strand, the complement: TTN is on the minus strand). VCF-style: chr2-178581668-G-A. GRCh37 (hg19) VCF-style: chr2-179446395-G-A.
Other names: c.61677C>T, p.Ser20559= (NM_001256850.1); c.39405C>T, p.Ser13135= (NM_003319.4); c.58896C>T, p.Ser19632= (NM_133378.4); c.39780C>T, p.Ser13260= (NM_133432.3); c.39981C>T, p.Ser13327= (NM_133437.4).
Identifiers: ClinVar variation 681089 (VCV000681089.16), dbSNP rs371324060, ClinGen allele CA1991471.

ClinVar aggregate classification (germline): Conflicting classifications of pathogenicity. Review status: criteria provided, conflicting classifications (1 of 4 stars). 9 submissions from 5 submitters: Uncertain significance (3); Benign (1); Likely benign (5). Last evaluated 2025-09-15.

Conditions:
Cardiovascular phenotype. Identifiers: MedGen CN230736.
Autosomal recessive limb-girdle muscular dystrophy type 2J (LGMDR10). Also called: Limb-girdle muscular dystrophy, type 2J; MUSCULAR DYSTROPHY, LIMB-GIRDLE, AUTOSOMAL RECESSIVE 10. Identifiers: Orphanet 140922, MedGen C1837342, MONDO:0012127, OMIM 608807.
Dilated cardiomyopathy 1G (CMD1G). Identifiers: Orphanet 154, MedGen C1858763, MONDO:0011400, OMIM 604145.
Early-onset myopathy with fatal cardiomyopathy (CMYO5). Also called: Salih Myopathy; CONGENITAL MYOPATHY 5 WITH CARDIOMYOPATHY. Identifiers: Orphanet 289377, MedGen C2673677, MONDO:0012714, OMIM 611705. Disease mechanism: loss of function.
Myopathy, myofibrillar, 9, with early respiratory failure (MFM9). Also called: Hereditary myopathy with early respiratory failure; EDSTROM MYOPATHY; MYOPATHY, PROXIMAL, WITH EARLY RESPIRATORY MUSCLE INVOLVEMENT; Myopathy, distal, with early respiratory failure, autosomal dominant. Identifiers: Orphanet 178464, Orphanet 34521, MedGen C1863599, MONDO:0011362, OMIM 603689.
Tibial muscular dystrophy (TMD). Also called: Udd Distal Myopathy – Tibial Muscular Dystrophy; Tibial muscular dystrophy, tardive; UDD MYOPATHY. Identifiers: Orphanet 609, MedGen C1838244, MONDO:0010870, OMIM 600334.

Allele frequency attached by ClinVar (database versions not stated): gnomAD exomes 0.00001 and 0.00002; TOPMed 0.00001; ExAC 0.00003.
gnomAD v4.1: 13 of 1,612,630 alleles (0.00081%); highest among the groups gnomAD compares: East Asian, 0.0022%; no homozygotes.

Submissions (9):

Labcorp Genetics (formerly Invitae), Labcorp
Classification: Likely benign for Dilated cardiomyopathy 1G; Autosomal recessive limb-girdle muscular dystrophy type 2J. Last evaluated: 2025-09-15. Review status: criteria provided, single submitter. Criteria: Invitae Variant Classification Sherloc (09022015). Collection method: clinical testing. Allele origin: germline.

Ambry Genetics
Classification: Likely benign for Cardiovascular phenotype. Last evaluated: 2022-05-30. Review status: criteria provided, single submitter. Criteria: Ambry Variant Classification Scheme 2023. Collection method: clinical testing. Allele origin: germline.

Women's Health and Genetics/Laboratory Corporation of America, LabCorp
Classification: Likely benign. Last evaluated: 2022-04-24. Review status: criteria provided, single submitter. Criteria: LabCorp Variant Classification Summary - May 2015. Collection method: clinical testing. Allele origin: germline.

GeneDx
Classification: Likely benign. Last evaluated: 2021-05-24. Review status: criteria provided, single submitter. Criteria: GeneDx Variant Classification Process June 2021. Collection method: clinical testing. Allele origin: germline. Affected: yes.

Illumina Laboratory Services, Illumina
Classification: Uncertain significance for Autosomal recessive limb-girdle muscular dystrophy type 2J. Last evaluated: 2018-01-12. Review status: criteria provided, single submitter. Criteria: ICSL Variant Classification Criteria 13 December 2019. Collection method: clinical testing. Allele origin: germline.

Illumina Laboratory Services, Illumina
Classification: Uncertain significance for Dilated cardiomyopathy 1G. Last evaluated: 2018-01-12. Review status: criteria provided, single submitter. Criteria: ICSL Variant Classification Criteria 13 December 2019. Collection method: clinical testing. Allele origin: germline.

Illumina Laboratory Services, Illumina
Classification: Benign for Tibial muscular dystrophy. Last evaluated: 2018-01-12. Review status: criteria provided, single submitter. Criteria: ICSL Variant Classification Criteria 13 December 2019. Collection method: clinical testing. Allele origin: germline.
Comment: This variant was observed in the ICSL laboratory as part of a predisposition screen in an ostensibly healthy population. It had not been previously curated by ICSL or reported in the Human Gene Mutation Database (HGMD: prior to June 1st, 2018), and was therefore a candidate for classification through an automated scoring system. Utilizing variant allele frequency, disease prevalence and penetrance estimates, and inheritance mode, an automated score was calculated to assess if this variant is too frequent to cause the disease. Based on the score and internal cut-off values, a variant classified as benign is not then subjected to further curation. The score for this variant resulted in a classification of benign for this disease.

Illumina Laboratory Services, Illumina
Classification: Likely benign for Myopathy, myofibrillar, 9, with early respiratory failure. Last evaluated: 2018-01-12. Review status: criteria provided, single submitter. Criteria: ICSL Variant Classification Criteria 13 December 2019. Collection method: clinical testing. Allele origin: germline.
Comment: This variant was observed in the ICSL laboratory as part of a predisposition screen in an ostensibly healthy population. It had not been previously curated by ICSL or reported in the Human Gene Mutation Database (HGMD: prior to June 1st, 2018), and was therefore a candidate for classification through an automated scoring system. Utilizing variant allele frequency, disease prevalence and penetrance estimates, and inheritance mode, an automated score was calculated to assess if this variant is too frequent to cause the disease. Based on the score and internal cut-off values, a variant classified as likely benign is not then subjected to further curation. The score for this variant resulted in a classification of likely benign for this disease.

Illumina Laboratory Services, Illumina
Classification: Uncertain significance for Early-onset myopathy with fatal cardiomyopathy. Last evaluated: 2018-01-12. Review status: criteria provided, single submitter. Criteria: ICSL Variant Classification Criteria 13 December 2019. Collection method: clinical testing. Allele origin: germline.